The following is an entry in ClinVar:

NM_002661.5(PLCG2):c.221G>A (p.Arg74His)

Gene: PLCG2 (phospholipase C gamma 2; plus strand). Cytogenetic location: 16q23.3.
Variant type: single nucleotide variant.
Coding change: c.221G>A on transcript NM_002661.5 (MANE Select); coding-DNA position 221, G replaced by A.
Protein change: p.Arg74His; replaces arginine 74 with histidine.
Molecular consequence: missense variant.
Genome position (GRCh38, 1-based): chr16:81,854,471, G>A. VCF-style: chr16-81854471-G-A. GRCh37 (hg19) VCF-style: chr16-81888076-G-A.
Other names: c.221G>A, p.Arg74His (NM_001425749.1, NM_001425750.1, NM_001425751.1); short protein forms R74H.
Identifiers: ClinVar variation 3670932 (VCV003670932.2).

ClinVar aggregate classification (germline): Uncertain significance (1 of 4 stars; one submission).

Conditions:
Familial cold autoinflammatory syndrome 3 (FCAS3). Also called: ANTIBODY DEFICIENCY AND IMMUNE DYSREGULATION, PLCG2-ASSOCIATED; FAMILIAL ATYPICAL COLD URTICARIA. Identifiers: Orphanet 300359, MedGen C3280914, MONDO:0013766, OMIM 614468.

gnomAD v4.1: 3 of 1,613,976 alleles (0.00019%); highest among the groups gnomAD compares: Admixed American, 0.0017%; no homozygotes.

Submission:

Labcorp Genetics (formerly Invitae), Labcorp
Classification: Uncertain significance for Familial cold autoinflammatory syndrome 3. Last evaluated: 2024-03-21. Review status: criteria provided, single submitter. Criteria: Invitae Variant Classification Sherloc (09022015). Collection method: clinical testing. Allele origin: germline.
Comment: This sequence change replaces arginine, which is basic and polar, with histidine, which is basic and polar, at codon 74 of the PLCG2 protein (p.Arg74His). This variant is present in population databases (no rsID available, gnomAD 0.0009%). This variant has not been reported in the literature in individuals affected with PLCG2-related conditions. An algorithm developed to predict the effect of missense changes on protein structure and function (PolyPhen-2) suggests that this variant is likely to be disruptive. In summary, the available evidence is currently insufficient to determine the role of this variant in disease. Therefore, it has been classified as a Variant of Uncertain Significance.